The following is an entry in ClinVar:

ClinVar aggregate classification (germline): Likely benign (1 of 4 stars; one submission).

Allele frequency attached by ClinVar (database versions not stated): ExAC 0.00003.
gnomAD v4.1: 35 of 1,210,082 alleles (0.0029%); highest among the groups gnomAD compares: Non-Finnish European, 0.0036%; no homozygotes.

Submission:

CeGaT Center for Human Genetics Tuebingen
Classification: Likely benign. Last evaluated: 2022-06-01. Review status: criteria provided, single submitter. Criteria: CeGaT Center For Human Genetics Tuebingen Variant Classification Criteria Version 2. Collection method: clinical testing. Allele origin: germline. Affected: yes. Observed: 1 variant allele.
Comment: ATP2B3: BP4, BP7

NM_001001344.3(ATP2B3):c.2877G>A (p.Ala959=)

Gene: ATP2B3 (ATPase plasma membrane Ca2+ transporting 3; plus strand). Cytogenetic location: Xq28.
Variant type: single nucleotide variant.
Coding change: c.2877G>A on transcript NM_001001344.3 (MANE Select); coding-DNA position 2877, G replaced by A.
Protein change: p.Ala959=; no amino-acid change (alanine 959 retained).
Molecular consequence: synonymous variant.
Genome position (GRCh38, 1-based): chrX:153,560,713, G>A. VCF-style: chrX-153560713-G-A. GRCh37 (hg19) VCF-style: chrX-152826171-G-A.
Other names: c.2877G>A, p.Ala959= (NM_001388360.1, NM_001388361.1, NM_001388362.1 and 1 more transcripts); c.2835G>A, p.Ala945= (NM_001410708.1).
Identifiers: ClinVar variation 2661701 (VCV002661701.24), dbSNP rs781883776, ClinGen allele CA10548079.
Genomic context (GRCh38, chrX:153,560,713, plus strand): 5'-GAGTGGGGAATGTTGCTTTCCAGGGGAGCTCTTCTTCGACATCGACAGCGGGAGGAATGC[G>A]CCCCTGCACTCGCCACCCTCAGAGCACTACACCATCATCTTCAACACGTTCGTCATGATG-3'
Protein context (NP_001001344.1, residues 949-969): LFFDIDSGRN[Ala959=]PLHSPPSEHY